The following is an entry in ClinVar:

NM_021076.4(NEFH):c.493G>A (p.Gly165Ser)

Gene: NEFH (neurofilament heavy chain; plus strand). Cytogenetic location: 22q12.2.
Variant type: single nucleotide variant.
Coding change: c.493G>A on transcript NM_021076.4 (MANE Select); coding-DNA position 493, G replaced by A.
Protein change: p.Gly165Ser; replaces glycine 165 with serine.
Molecular consequence: missense variant.
Genome position (GRCh38, 1-based): chr22:29,480,755, G>A. VCF-style: chr22-29480755-G-A. GRCh37 (hg19) VCF-style: chr22-29876744-G-A.
Other names: short protein forms G165S.
Identifiers: ClinVar variation 4530010 (VCV004530010.1).

ClinVar aggregate classification (germline): Uncertain significance (1 of 4 stars; one submission).

gnomAD v4.1: 7 of 1,448,110 alleles (0.00048%); highest among the groups gnomAD compares: Admixed American, 0.0029%; no homozygotes.

Submission:

GeneDx
Classification: Uncertain significance. Last evaluated: 2025-05-14. Review status: criteria provided, single submitter. Criteria: GeneDx Variant Classification Process June 2021. Collection method: clinical testing. Allele origin: germline. Affected: yes.
Comment: Reported in a meta-analysis of case-control studies involving NEFH variants in ALS patients, however further information about the individual(s) with the variant was not provided (PMID: 38775181); Not observed at significant frequency in large population cohorts (gnomAD); In silico analysis suggests that this missense variant does not alter protein structure/function; This variant is associated with the following publications: (PMID: 38775181)